The following is an entry in ClinVar:

ClinVar aggregate classification (germline): Uncertain significance. Review status: criteria provided, multiple submitters, no conflicts (2 of 4 stars). 2 submissions from 2 submitters: Uncertain significance (2). Last evaluated 2024-03-20.

Conditions:
Saldino-Mainzer syndrome (SRTD9). Also called: CONORENAL SYNDROME; Renal dysplasia, retinal pigmentary dystrophy, cerebellar ataxia and skeletal dysplasia; SHORT-RIB THORACIC DYSPLASIA 9 WITHOUT POLYDACTYLY; short-rib thoracic dysplasia 9 with or without polydactyly. Identifiers: Orphanet 140969, MedGen C1849437, MONDO:0009964, OMIM 266920.
Retinitis pigmentosa 80 (RP80). Identifiers: MedGen C4540439, MONDO:0054708, OMIM 617781.

Allele frequency attached by ClinVar (database versions not stated): gnomAD exomes below 0.00001; TOPMed below 0.00001; ExAC 0.00001.
gnomAD v4.1: 1 of 1,611,344 alleles (0.000062%); highest among the groups gnomAD compares: South Asian, 0.0011%; no homozygotes.

Submissions (2):

Fulgent Genetics
Classification: Uncertain significance for Saldino-Mainzer syndrome; Retinitis pigmentosa 80. Last evaluated: 2024-03-20. Review status: criteria provided, single submitter. Criteria: ACMG Guidelines, 2015. Collection method: clinical testing. Allele origin: germline.

Labcorp Genetics (formerly Invitae), Labcorp
Classification: Uncertain significance for Saldino-Mainzer syndrome. Last evaluated: 2022-07-06. Review status: criteria provided, single submitter. Criteria: Invitae Variant Classification Sherloc (09022015). Collection method: clinical testing. Allele origin: germline.
Comment: Algorithms developed to predict the effect of missense changes on protein structure and function are either unavailable or do not agree on the potential impact of this missense change (SIFT: "Deleterious"; PolyPhen-2: "Benign"; Align-GVGD: "Class C0"). ClinVar contains an entry for this variant (Variation ID: 1384766). This variant has not been reported in the literature in individuals affected with IFT140-related conditions. This variant is present in population databases (rs774547622, gnomAD 0.003%). This sequence change replaces glutamine, which is neutral and polar, with glutamic acid, which is acidic and polar, at codon 1037 of the IFT140 protein (p.Gln1037Glu). Algorithms developed to predict the effect of sequence changes on RNA splicing suggest that this variant may create or strengthen a splice site. In summary, the available evidence is currently insufficient to determine the role of this variant in disease. Therefore, it has been classified as a Variant of Uncertain Significance.

NM_014714.4(IFT140):c.3109C>G (p.Gln1037Glu)

Genes: IFT140 (intraflagellar transport 140; minus strand), LOC126862260 (CDK7 strongly-dependent group 2 enhancer GRCh37_chr16:1574508-1575707; plus strand). Cytogenetic location: 16p13.3.
Variant type: single nucleotide variant.
Coding change: c.3109C>G on transcript NM_014714.4 (MANE Select); coding-DNA position 3109, C replaced by G.
Protein change: p.Gln1037Glu; replaces glutamine 1037 with glutamic acid.
Molecular consequence: missense variant.
Genome position (GRCh38, 1-based): chr16:1,524,584, G>C on the plus strand (C>G on the coding strand, the complement: IFT140 is on the minus strand). VCF-style: chr16-1524584-G-C. GRCh37 (hg19) VCF-style: chr16-1574585-G-C.
Other names: short protein forms Q1037E.
Identifiers: ClinVar variation 1384766 (VCV001384766.7), dbSNP rs774547622, ClinGen allele CA7813312.
Genomic context (GRCh38, chr16:1,524,584, plus strand): 5'-CCGGCTCCCCACCCCGGGCCCGTGGTACCTTGCACAGGCGGATGGCATTCTTGAAGGCCT[G>C]TGCCCGGGTGTAGAAGTGCACCGCCTGCCCGACCTCCTCCTGGCTCTCGTACTGGCGGGC-3'
Protein context (NP_055529.2, residues 1027-1047): GQAVHFYTRA[Gln1037Glu]AFKNAIRLCK